The following is an entry in ClinVar:

ClinVar aggregate classification (germline): Uncertain significance (1 of 4 stars; one submission).

Submission:

GeneDx
Classification: Uncertain significance. Last evaluated: 2023-06-05. Review status: criteria provided, single submitter. Criteria: GeneDx Variant Classification Process June 2021. Collection method: clinical testing. Allele origin: germline. Affected: yes.
Comment: Not observed at significant frequency in large population cohorts (gnomAD); In silico analysis supports that this missense variant has a deleterious effect on protein structure/function; Has not been previously published as pathogenic or benign to our knowledge

NM_001378974.1(FBXW11):c.1104G>A (p.Met368Ile)

Gene: FBXW11 (F-box and WD repeat domain containing 11; minus strand). Cytogenetic location: 5q35.1.
Variant type: single nucleotide variant.
Coding change: c.1104G>A on transcript NM_001378974.1 (MANE Select); coding-DNA position 1104, G replaced by A.
Protein change: p.Met368Ile; replaces methionine 368 with isoleucine.
Molecular consequence: missense variant.
Genome position (GRCh38, 1-based): chr5:171,876,402, C>T on the plus strand (G>A on the coding strand, the complement: FBXW11 is on the minus strand). VCF-style: chr5-171876402-C-T. GRCh37 (hg19) VCF-style: chr5-171303406-C-T.
Other names: c.1035G>A, p.Met345Ile (NM_001378975.1); c.1008G>A, p.Met336Ile (NM_001378976.1); c.945G>A, p.Met315Ile (NM_001378977.1, NM_001378978.1, NM_001378979.1); c.939G>A, p.Met313Ile (NM_001378980.1, NM_033645.3); c.1041G>A, p.Met347Ile (NM_012300.3); c.1002G>A, p.Met334Ile (NM_033644.3); short protein forms M313I, M315I, M334I, M336I, M345I, M347I, M368I.
Identifiers: ClinVar variation 3359517 (VCV003359517.1).